The following is an entry in ClinVar:

ClinVar aggregate classification (germline): Uncertain significance (1 of 4 stars; one submission).

gnomAD v4.1: 1 of 1,612,646 alleles (0.000062%); highest among the groups gnomAD compares: African/African-American, 0.0013%; no homozygotes.

Submission:

GeneDx
Classification: Uncertain significance. Last evaluated: 2026-03-31. Review status: criteria provided, single submitter. Criteria: GeneDx Variant Classification Process June 2021. Collection method: clinical testing. Allele origin: germline.
Comment: Not observed at significant frequency in large population cohorts (gnomAD); In silico analysis supports that this missense variant has a deleterious effect on protein structure/function; Has not been previously published as pathogenic or benign to our knowledge

NM_015557.3(CHD5):c.5503C>T (p.Leu1835Phe)

Gene: CHD5 (chromodomain helicase DNA binding protein 5; minus strand). Cytogenetic location: 1p36.31.
Variant type: single nucleotide variant.
Coding change: c.5503C>T on transcript NM_015557.3 (MANE Select); coding-DNA position 5503, C replaced by T.
Protein change: p.Leu1835Phe; replaces leucine 1835 with phenylalanine.
Molecular consequence: missense variant.
Genome position (GRCh38, 1-based): chr1:6,109,870, G>A on the plus strand (C>T on the coding strand, the complement: CHD5 is on the minus strand). VCF-style: chr1-6109870-G-A. GRCh37 (hg19) VCF-style: chr1-6169930-G-A.
Other names: short protein forms L1835F.
Identifiers: ClinVar variation 5018071 (VCV005018071.1).